The following is an entry in ClinVar:

ClinVar aggregate classification (germline): Likely benign. Review status: criteria provided, single submitter (1 of 4 stars). 2 submissions from 2 submitters: Likely benign (1). 1 of the submissions does not count toward it. Last evaluated 2024-11-04.

Conditions:
IFT140-related disorder. Also called: IFT140-related condition.
Saldino-Mainzer syndrome (SRTD9). Also called: CONORENAL SYNDROME; Renal dysplasia, retinal pigmentary dystrophy, cerebellar ataxia and skeletal dysplasia; SHORT-RIB THORACIC DYSPLASIA 9 WITHOUT POLYDACTYLY; short-rib thoracic dysplasia 9 with or without polydactyly. Identifiers: Orphanet 140969, MedGen C1849437, MONDO:0009964, OMIM 266920.

Allele frequency attached by ClinVar (database versions not stated): ExAC 0.00004.

Submissions (2):

Labcorp Genetics (formerly Invitae), Labcorp
Classification: Likely benign for Saldino-Mainzer syndrome. Last evaluated: 2024-11-04. Review status: criteria provided, single submitter. Criteria: Invitae Variant Classification Sherloc (09022015). Collection method: clinical testing. Allele origin: germline.

PreventionGenetics, part of Exact Sciences
Classification: Likely benign for IFT140-related condition. Last evaluated: 2024-09-09. Review status: no assertion criteria provided. Collection method: clinical testing. Allele origin: germline. Not counted in ClinVar's aggregate classification.
Comment: This variant is classified as likely benign based on ACMG/AMP sequence variant interpretation guidelines (Richards et al. 2015 PMID: 25741868, with internal and published modifications).

NM_014714.4(IFT140):c.1215C>T (p.Ser405=)

Genes: IFT140 (intraflagellar transport 140; minus strand), LOC105371046 (uncharacterized LOC105371046; plus strand). Cytogenetic location: 16p13.3.
Variant type: single nucleotide variant.
Coding change: c.1215C>T on transcript NM_014714.4 (MANE Select); coding-DNA position 1215, C replaced by T.
Protein change: p.Ser405=; no amino-acid change (serine 405 retained).
Molecular consequence: synonymous variant.
Genome position (GRCh38, 1-based): chr16:1,584,361, G>A on the plus strand (C>T on the coding strand, the complement: IFT140 is on the minus strand). VCF-style: chr16-1584361-G-A. GRCh37 (hg19) VCF-style: chr16-1634362-G-A.
Other names: c.1215C>T (NM_014714.3).
Identifiers: ClinVar variation 1387734 (VCV001387734.9), dbSNP rs778865722, ClinGen allele CA7814401.